The following is an entry in ClinVar:

NM_004281.4(BAG3):c.514C>T (p.Gln172Ter)

Gene: BAG3 (BAG cochaperone 3; plus strand). Cytogenetic location: 10q26.11.
Variant type: single nucleotide variant.
Coding change: c.514C>T on transcript NM_004281.4 (MANE Select); coding-DNA position 514, C replaced by T.
Protein change: p.Gln172Ter; replaces glutamine 172 with a stop codon.
Molecular consequence: nonsense.
Genome position (GRCh38, 1-based): chr10:119,672,261, C>T. VCF-style: chr10-119672261-C-T. GRCh37 (hg19) VCF-style: chr10-121431773-C-T.
Other names: short protein forms Q172*.
Identifiers: ClinVar variation 648595 (VCV000648595.6), dbSNP rs1589630001, ClinGen allele CA378295245.
Genomic context (GRCh38, chr10:119,672,261, plus strand): 5'-CAAGCCAGGGGAGTCATTTGTGGGGTCATGCCCTCTACCCTGTGTCTCTTGCAGCGGTCC[C>T]AGTCTCCAGCTGCCTCTGACTGCTCATCCTCATCCTCCTCGGCCAGCCTGCCTTCCTCCG-3'

ClinVar aggregate classification (germline): Pathogenic (1 of 4 stars; one submission).

Conditions:
Myofibrillar myopathy 6. Identifiers: Orphanet 199340, MedGen C2751831, MONDO:0013061, OMIM 612954.
Dilated cardiomyopathy 1HH (CMD1HH). Identifiers: Orphanet 154, MedGen C3151293, MONDO:0013479, OMIM 613881.

Submission:

Labcorp Genetics (formerly Invitae), Labcorp
Classification: Pathogenic for Dilated cardiomyopathy 1HH; Myofibrillar myopathy 6. Last evaluated: 2018-12-11. Review status: criteria provided, single submitter. Criteria: Invitae Variant Classification Sherloc (09022015). Collection method: clinical testing. Allele origin: germline.
Comment: For these reasons, this variant has been classified as Pathogenic. Loss-of-function variants in BAG3 are known to be pathogenic (PMID: 21353195, 25008357). This variant has not been reported in the literature in individuals with BAG3-related conditions. This variant is not present in population databases (ExAC no frequency). This sequence change creates a premature translational stop signal (p.Gln172*) in the BAG3 gene. It is expected to result in an absent or disrupted protein product.

Literature cited by the submitters: PubMed 21353195; PubMed 25008357.